The following is an entry in ClinVar:

NM_001041.4(SI):c.4642C>G (p.Leu1548Val)

Gene: SI (sucrase-isomaltase; minus strand). Cytogenetic location: 3q26.1.
Variant type: single nucleotide variant.
Coding change: c.4642C>G on transcript NM_001041.4 (MANE Select); coding-DNA position 4642, C replaced by G.
Protein change: p.Leu1548Val; replaces leucine 1548 with valine.
Molecular consequence: missense variant.
Genome position (GRCh38, 1-based): chr3:164,996,585, G>C on the plus strand (C>G on the coding strand, the complement: SI is on the minus strand). VCF-style: chr3-164996585-G-C. GRCh37 (hg19) VCF-style: chr3-164714373-G-C.
Other names: short protein forms L1548V.
Identifiers: ClinVar variation 1973282 (VCV001973282.5), dbSNP rs2473212190, ClinGen allele CA355029596.

ClinVar aggregate classification (germline): Uncertain significance (1 of 4 stars; one submission).

Submission:

Labcorp Genetics (formerly Invitae), Labcorp
Classification: Uncertain significance. Last evaluated: 2025-06-12. Review status: criteria provided, single submitter. Criteria: Invitae Variant Classification Sherloc (09022015). Collection method: clinical testing. Allele origin: germline.
Comment: This sequence change replaces leucine, which is neutral and non-polar, with valine, which is neutral and non-polar, at codon 1548 of the SI protein (p.Leu1548Val). This variant is not present in population databases (gnomAD no frequency). This variant has not been reported in the literature in individuals affected with SI-related conditions. ClinVar contains an entry for this variant (Variation ID: 1973282). Invitae Evidence Modeling of protein sequence and biophysical properties (such as structural, functional, and spatial information, amino acid conservation, physicochemical variation, residue mobility, and thermodynamic stability) indicates that this missense variant is not expected to disrupt SI protein function with a negative predictive value of 95%. In summary, the available evidence is currently insufficient to determine the role of this variant in disease. Therefore, it has been classified as a Variant of Uncertain Significance.